The following is an entry in ClinVar:

ClinVar aggregate classification (germline): Uncertain significance. Review status: criteria provided, multiple submitters, no conflicts (2 of 4 stars). 2 submissions from 2 submitters: Uncertain significance (2). Last evaluated 2026-01-01.

Submissions (2):

Labcorp Genetics (formerly Invitae), Labcorp
Classification: Uncertain significance. Last evaluated: 2026-01-01. Review status: criteria provided, single submitter. Criteria: Invitae Variant Classification Sherloc (09022015). Collection method: clinical testing. Allele origin: germline.
Comment: This variant, c.7493_7495dup, results in the insertion of 1 amino acid(s) of the CHD8 protein (p.His2498dup), but otherwise preserves the integrity of the reading frame. The frequency data for this variant in the population databases is considered unreliable, as metrics indicate poor data quality at this position in the gnomAD database. This variant has not been reported in the literature in individuals affected with CHD8-related conditions. ClinVar contains an entry for this variant (Variation ID: 3383689). In summary, the available evidence is currently insufficient to determine the role of this variant in disease. Therefore, it has been classified as a Variant of Uncertain Significance.

GeneDx
Classification: Uncertain significance. Last evaluated: 2024-05-30. Review status: criteria provided, single submitter. Criteria: GeneDx Variant Classification Process June 2021. Collection method: clinical testing. Allele origin: germline. Affected: yes.
Comment: In-frame insertion of 1 amino acid in a non-repeat region; Not observed at significant frequency in large population cohorts (gnomAD); Has not been previously published as pathogenic or benign to our knowledge

NM_001170629.2(CHD8):c.7481ACC[6] (p.His2498_Pro2499insHis)

Gene: CHD8 (chromodomain helicase DNA binding protein 8; minus strand). Cytogenetic location: 14q11.2.
Variant type: Microsatellite.
Coding change: c.7481ACC[6] on transcript NM_001170629.2 (MANE Select); six copies in a row of the 3-base unit ACC starting at c.7481; the reference has five copies in a row; one copy, 3 bases duplicated.
Protein change: p.His2498_Pro2499insHis.
Genome position (GRCh38, 1-based): chr14:21,385,864-21,385,866, GGT duplicated on the plus strand (ACC on the coding strand, the reverse complement: CHD8 is on the minus strand); duplicating any 3 consecutive bases within chr14:21,385,864-21,385,879 gives the same sequence; the position shown is the placement nearest the transcript's 3' end. VCF-style (leftmost placement, unchanged base first): chr14-21385863-G-GGGT. GRCh37 (hg19) VCF-style: chr14-21854022-G-GGGT.
Other names: c.6644ACC[6], p.His2219_Pro2220insHis (NM_020920.4).
Identifiers: ClinVar variation 3383689 (VCV003383689.2).